The following is an entry in ClinVar:

ClinVar aggregate classification (germline): Likely benign (0 of 4 stars; one submission).

Conditions:
GRIN2C-related disorder. Also called: GRIN2C-related condition.

Allele frequency attached by ClinVar (database versions not stated): ExAC 0.00033; 1000 Genomes Project 30x 0.00109; 1000 Genomes Project 0.00120; ESP Exome Variant Server 0.00132.
gnomAD v4.1: 320 of 1,600,812 alleles (0.02%); highest among the groups gnomAD compares: African/African-American, 0.4%; 3 homozygotes.

Submission:

PreventionGenetics, part of Exact Sciences
Classification: Likely benign for GRIN2C-related condition. Last evaluated: 2022-05-23. Review status: no assertion criteria provided. Collection method: clinical testing. Allele origin: germline.
Comment: This variant is classified as likely benign based on ACMG/AMP sequence variant interpretation guidelines (Richards et al. 2015 PMID: 25741868, with internal and published modifications).

NM_000835.6(GRIN2C):c.58G>C (p.Gly20Arg)

Gene: GRIN2C (glutamate ionotropic receptor NMDA type subunit 2C; minus strand). Cytogenetic location: 17q25.1.
Variant type: single nucleotide variant.
Coding change: c.58G>C on transcript NM_000835.6 (MANE Select); coding-DNA position 58, G replaced by C.
Protein change: p.Gly20Arg; replaces glycine 20 with arginine.
Molecular consequence: missense variant. On other transcripts: non-coding transcript variant (1).
Genome position (GRCh38, 1-based): chr17:74,855,035, C>G on the plus strand (G>C on the coding strand, the complement: GRIN2C is on the minus strand). VCF-style: chr17-74855035-C-G. GRCh37 (hg19) VCF-style: chr17-72851174-C-G.
Other names: c.58G>C, p.Gly20Arg (NM_001278553.2); short protein forms G20R.
Identifiers: ClinVar variation 3048464 (VCV003048464.2), dbSNP rs144815165, ClinGen allele CA8752752.